The following is an entry in ClinVar:

NM_015355.4(SUZ12):c.1384A>G (p.Ser462Gly)

Gene: SUZ12 (SUZ12 polycomb repressive complex 2 subunit; plus strand). Cytogenetic location: 17q11.2.
Variant type: single nucleotide variant.
Coding change: c.1384A>G on transcript NM_015355.4 (MANE Select); coding-DNA position 1384, A replaced by G.
Protein change: p.Ser462Gly; replaces serine 462 with glycine.
Molecular consequence: missense variant.
Genome position (GRCh38, 1-based): chr17:31,993,955, A>G. VCF-style: chr17-31993955-A-G. GRCh37 (hg19) VCF-style: chr17-30320974-A-G.
Other names: c.1315A>G, p.Ser439Gly (NM_001321207.2); short protein forms S439G, S462G.
Identifiers: ClinVar variation 4077260 (VCV004077260.1).
Genomic context (GRCh38, chr17:31,993,955, plus strand): 5'-ACTGAAGCAAGAGATGACCTGCATTGCCCTTGGTGTACTCTGAACTGCCGCAAACTTTAT[A>G]GTTTACTCAAGCATCTTAAACTCTGCCATAGCAGATTTATCTTCAACTATGTTGTGAGTA-3'
Protein context (NP_056170.2, residues 452-472): WCTLNCRKLY[Ser462Gly]LLKHLKLCHS

ClinVar aggregate classification (germline): Uncertain significance (1 of 4 stars; one submission).

Submission:

GeneDx
Classification: Uncertain significance. Last evaluated: 2025-02-25. Review status: criteria provided, single submitter. Criteria: GeneDx Variant Classification Process June 2021. Collection method: clinical testing. Allele origin: germline. Affected: yes.
Comment: Not observed at significant frequency in large population cohorts (gnomAD); In silico analysis supports that this missense variant has a deleterious effect on protein structure/function; Has not been previously published as pathogenic or benign to our knowledge